The following is an entry in ClinVar:

NM_022489.4(INF2):c.1108G>A (p.Gly370Ser)

Gene: INF2 (inverted formin 2; plus strand). Cytogenetic location: 14q32.33.
Variant type: single nucleotide variant.
Coding change: c.1108G>A on transcript NM_022489.4 (MANE Select); coding-DNA position 1108, G replaced by A.
Protein change: p.Gly370Ser; replaces glycine 370 with serine.
Molecular consequence: missense variant. On other transcripts: non-coding transcript variant (1).
Genome position (GRCh38, 1-based): chr14:104,707,375, G>A. VCF-style: chr14-104707375-G-A. GRCh37 (hg19) VCF-style: chr14-105173712-G-A.
Other names: c.1108G>A, p.Gly370Ser (NM_001031714.4, NM_001426862.1, NM_001426863.1 and 2 more transcripts); short protein forms G370S.
Identifiers: ClinVar variation 4791808 (VCV004791808.1).

ClinVar aggregate classification (germline): Uncertain significance (1 of 4 stars; one submission).

Conditions:
Focal segmental glomerulosclerosis 5 (FSGS5). Identifiers: Orphanet 656, MedGen C2750475, MONDO:0013191, OMIM 613237.
Charcot-Marie-Tooth disease dominant intermediate E. Also called: CHARCOT-MARIE-TOOTH NEUROPATHY WITH FOCAL SEGMENTAL GLOMERULONEPHRITIS. Identifiers: Orphanet 93114, MedGen C4302667, MONDO:0013758, OMIM 614455.

gnomAD v4.1: 2 of 1,594,832 alleles (0.00013%); highest among the groups gnomAD compares: Non-Finnish European, 0.00017%; no homozygotes.

Submission:

Labcorp Genetics (formerly Invitae), Labcorp
Classification: Uncertain significance for Charcot-Marie-Tooth disease dominant intermediate E; Focal segmental glomerulosclerosis 5. Last evaluated: 2025-09-03. Review status: criteria provided, single submitter. Criteria: Invitae Variant Classification Sherloc (09022015). Collection method: clinical testing. Allele origin: germline.
Comment: This sequence change replaces glycine, which is neutral and non-polar, with serine, which is neutral and polar, at codon 370 of the INF2 protein (p.Gly370Ser). This variant is not present in population databases (gnomAD no frequency). This variant has not been reported in the literature in individuals affected with INF2-related conditions. Invitae Evidence Modeling of protein sequence and biophysical properties (such as structural, functional, and spatial information, amino acid conservation, physicochemical variation, residue mobility, and thermodynamic stability) indicates that this missense variant is not expected to disrupt INF2 protein function with a negative predictive value of 95%. In summary, the available evidence is currently insufficient to determine the role of this variant in disease. Therefore, it has been classified as a Variant of Uncertain Significance.